The following is an entry in ClinVar:

NM_024664.4(PPCS):c.109G>C (p.Val37Leu)

Genes: CCDC30 (coiled-coil domain containing 30; plus strand), PPCS (phosphopantothenoylcysteine synthetase; plus strand), LOC129930343 (ATAC-STARR-seq lymphoblastoid active region 893; plus strand). Cytogenetic location: 1p34.2.
Variant type: single nucleotide variant.
Coding change: c.109G>C on transcript NM_024664.4 (MANE Select); coding-DNA position 109, G replaced by C.
Protein change: p.Val37Leu; replaces valine 37 with leucine.
Molecular consequence: missense variant. On other transcripts: 5 prime UTR variant (2), intron variant (5).
Genome position (GRCh38, 1-based): chr1:42,456,674, G>C. VCF-style: chr1-42456674-G-C. GRCh37 (hg19) VCF-style: chr1-42922345-G-C.
Other names: c.-62G>C (NM_001287508.2); c.-584G>C (NM_001287510.2); c.109G>C, p.Val37Leu (NM_001287511.2); c.-984+175G>C (NM_001355226.2); c.-328+175G>C (NM_001287507.1); c.-12+175G>C (NM_001287506.1); c.-12+46G>C (NM_001077447.3); c.-12+91G>C (NM_001287509.2); short protein forms V37L.
Identifiers: ClinVar variation 2117759 (VCV002117759.4), dbSNP rs2522599441, ClinGen allele CA339943687.

ClinVar aggregate classification (germline): Uncertain significance (1 of 4 stars; one submission).

Submission:

Labcorp Genetics (formerly Invitae), Labcorp
Classification: Uncertain significance. Last evaluated: 2022-03-26. Review status: criteria provided, single submitter. Criteria: Invitae Variant Classification Sherloc (09022015). Collection method: clinical testing. Allele origin: germline.
Comment: In summary, the available evidence is currently insufficient to determine the role of this variant in disease. Therefore, it has been classified as a Variant of Uncertain Significance. Algorithms developed to predict the effect of missense changes on protein structure and function are either unavailable or do not agree on the potential impact of this missense change (SIFT: "Tolerated"; PolyPhen-2: "Possibly Damaging"; Align-GVGD: "Class C0"). This variant has not been reported in the literature in individuals affected with PPCS-related conditions. This variant is not present in population databases (gnomAD no frequency). This sequence change replaces valine, which is neutral and non-polar, with leucine, which is neutral and non-polar, at codon 37 of the PPCS protein (p.Val37Leu).